The following is an entry in ClinVar:

NM_005559.4(LAMA1):c.2387C>T (p.Thr796Ile)

Gene: LAMA1 (laminin subunit alpha 1; minus strand). Cytogenetic location: 18p11.31.
Variant type: single nucleotide variant.
Coding change: c.2387C>T on transcript NM_005559.4 (MANE Select); coding-DNA position 2387, C replaced by T.
Protein change: p.Thr796Ile; replaces threonine 796 with isoleucine.
Molecular consequence: missense variant.
Genome position (GRCh38, 1-based): chr18:7,025,994, G>A on the plus strand (C>T on the coding strand, the complement: LAMA1 is on the minus strand). VCF-style: chr18-7025994-G-A. GRCh37 (hg19) VCF-style: chr18-7025993-G-A.
Other names: short protein forms T796I.
Identifiers: ClinVar variation 1449772 (VCV001449772.6), dbSNP rs368645823, ClinGen allele CA401852279.

ClinVar aggregate classification (germline): Uncertain significance (1 of 4 stars; one submission).

Submission:

Labcorp Genetics (formerly Invitae), Labcorp
Classification: Uncertain significance. Last evaluated: 2021-10-03. Review status: criteria provided, single submitter. Criteria: Invitae Variant Classification Sherloc (09022015). Collection method: clinical testing. Allele origin: germline.
Comment: This sequence change replaces threonine with isoleucine at codon 796 of the LAMA1 protein (p.Thr796Ile). The threonine residue is weakly conserved and there is a moderate physicochemical difference between threonine and isoleucine. This variant is not present in population databases (ExAC no frequency). This variant has not been reported in the literature in individuals affected with LAMA1-related conditions. Algorithms developed to predict the effect of missense changes on protein structure and function are either unavailable or do not agree on the potential impact of this missense change (SIFT: "Tolerated"; PolyPhen-2: "Possibly Damaging"; Align-GVGD: "Class C0"). In summary, the available evidence is currently insufficient to determine the role of this variant in disease. Therefore, it has been classified as a Variant of Uncertain Significance.